The following is an entry in ClinVar:

ClinVar aggregate classification (germline): Conflicting classifications of pathogenicity. Review status: criteria provided, conflicting classifications (1 of 4 stars). 14 submissions from 14 submitters: Uncertain significance (10); Likely benign (4). Last evaluated 2025-12-13.

Conditions:
BRCA1-related cancer predisposition. Identifiers: MedGen CN377757, MONDO:0700268.
Familial cancer of breast. Also called: Hereditary breast cancer; hereditary breast carcinoma; BREAST CANCER, FAMILIAL. Identifiers: Orphanet 227535, MedGen C0346153, MONDO:0016419, OMIM 114480. Disease mechanism: loss of function.
Breast-ovarian cancer, familial, susceptibility to, 1 (BROVCA1). Also called: OVARIAN CANCER, SUSCEPTIBILITY TO; BRCA1 Hereditary Breast and Ovarian Cancer. Identifiers: Orphanet 145, MedGen C2676676, MONDO:0011450, OMIM 604370. Disease mechanism: loss of function.
Pancreatic cancer, susceptibility to, 4. Identifiers: Orphanet 1333, MedGen C3280442, MONDO:0013685, OMIM 614320.
Fanconi anemia, complementation group S (FANCS). Identifiers: MedGen C4554406, MONDO:0054748, OMIM 617883.
Breast and/or ovarian cancer. Identifiers: MedGen CN221562.
Hereditary cancer-predisposing syndrome. Also called: Tumor predisposition; Neoplastic Syndromes, Hereditary; Hereditary Cancer Syndrome; Hereditary neoplastic syndrome. Identifiers: Orphanet 140162, MedGen C0027672, MeSH D009386, MONDO:0015356.
Hereditary breast ovarian cancer syndrome. Also called: Hereditary breast and ovarian cancer syndrome (HBOC); Hereditary breast and ovarian cancer syndrome; Hereditary breast and ovarian cancer; Hereditary breast and/or ovarian cancer syndrome; Breast and ovarian cancer; BRCA1- and BRCA2-Associated Hereditary Breast and Ovarian Cancer. Identifiers: Orphanet 145, MedGen C0677776, MeSH D061325, MONDO:0003582. Disease mechanism: loss of function.

Allele frequency attached by ClinVar (database versions not stated): gnomAD exomes below 0.00001 and 0.00002; ExAC 0.00001; gnomAD 0.00001; TOPMed 0.00001.
gnomAD v4.1: 24 of 1,613,914 alleles (0.0015%); highest among the groups gnomAD compares: Non-Finnish European, 0.0019%; no homozygotes.

Submissions (14):

Labcorp Genetics (formerly Invitae), Labcorp
Classification: Likely benign for Hereditary breast ovarian cancer syndrome. Last evaluated: 2025-12-13. Review status: criteria provided, single submitter. Criteria: Invitae Variant Classification Sherloc (09022015). Collection method: clinical testing. Allele origin: germline.

Color Diagnostics, LLC DBA Color Health
Classification: Likely benign for Hereditary cancer-predisposing syndrome. Last evaluated: 2025-10-28. Review status: criteria provided, single submitter. Criteria: ACMG Guidelines, 2015. Collection method: clinical testing. Allele origin: germline.

All of Us Research Program, National Institutes of Health
Classification: Uncertain significance for BRCA1-related cancer predisposition. Last evaluated: 2024-09-23. Review status: criteria provided, single submitter. Criteria: ACMG Guidelines, 2015. Collection method: clinical testing. Allele origin: germline. Inheritance: Autosomal dominant inheritance. Observed: 5 variant alleles, 5 heterozygotes.
Comment: This missense variant replaces proline with serine at codon 684 of the BRCA1 protein. Computational prediction suggests that this variant may not impact protein structure and function (internally defined REVEL score threshold <= 0.5, PMID: 27666373). This variant has been reported in individuals affected with breast and/or ovarian cancer and in suspected hereditary breast and ovarian cancer families (PMID: 12872263, 22476429, 27376475, 34981296) and an individual affected with pancreatic cancer (PMID: 25479140). This variant also has been detected in a breast cancer case-control meta-analysis in 1/60466 cases and 1/53461 unaffected individuals (PMID: 33471991; Leiden Open Variation Database DB-ID BRCA1_006467). A multifactorial analysis has reported likelihood ratios for pathogenicity based on co-occurrence with a pathogenic variant and family history of 1.1026 and 0.0665, respectively (PMID: 31131967). This variant has been identified in 1/251296 chromosomes in the general population by the Genome Aggregation Database (gnomAD). The available evidence is insufficient to determine the role of this variant in disease conclusively. Therefore, this variant is classified as a Variant of Uncertain Significance.

This study involves interpretation of variants in research participants for the purpose of population health screening. Participant phenotype was not available at the time of variant classification. Additional details can be found in publication PMID: 35346344, PMCID: PMC8962531

Blueprint Genetics
Classification: Likely benign. Last evaluated: 2024-06-28. Review status: criteria provided, single submitter. Criteria: ACMG Guidelines, 2015. Collection method: clinical testing. Allele origin: germline.

Quest Diagnostics Nichols Institute San Juan Capistrano
Classification: Uncertain significance. Last evaluated: 2024-06-10. Review status: criteria provided, single submitter. Criteria: Quest Diagnostics criteria. Collection method: clinical testing. Allele origin: unknown.
Comment: The BRCA1 c.2050C>T (p.Pro684Ser) variant has been reported in the published literature in individuals with breast and/or ovarian cancer (PMIDs: 12872263 (2003), 24728327 (2014), 27376475 (2016), and 34981296 (2022)), as well as pancreatic cancer (PMID: 25479140 (2015)). It was also identified in reportedly healthy individuals (PMID: 24728327 (2014)). In a large scale breast cancer association study, this variant was reported in a breast cancer case as well as in a reportedly healthy individual (PMID: 33471991 (2021), see also LOVD). This variant is predicted to be likely benign based on a multifactorial analysis (PMID: 31131967 (2019)). The frequency of this variant in the general population, 0.0000088 (1/113636 chromosomes (Genome Aggregation Database)), is uninformative in the assessment of its pathogenicity. Analysis of this variant using bioinformatics tools for the prediction of the effect of amino acid changes on protein structure and function yielded conflicting predictions that this variant is deleterious or benign. Based on the available information, we are unable to determine the clinical significance of this variant.

Ambry Genetics
Classification: Uncertain significance for Hereditary cancer-predisposing syndrome. Last evaluated: 2023-10-25. Review status: criteria provided, single submitter. Criteria: Ambry Variant Classification Scheme 2023. Collection method: clinical testing. Allele origin: germline.
Comment: The p.P684S variant (also known as c.2050C>T), located in coding exon 9 of the BRCA1 gene, results from a C to T substitution at nucleotide position 2050. The proline at codon 684 is replaced by serine, an amino acid with similar properties. This alteration was observed in individuals diagnosed with breast and pancreatic cancer (Lee AS et al. Hum Mutat. 2003; 22:178; Lu W et al. Fam Cancer, 2012 Sep;11:381-5; Grant RC et al. Gastroenterology, 2015 Mar;148:556-64). This amino acid position is well conserved in available vertebrate species. In addition, the in silico prediction for this alteration is inconclusive. Since supporting evidence is limited at this time, the clinical significance of this alteration remains unclear.

Women's Health and Genetics/Laboratory Corporation of America, LabCorp
Classification: Uncertain significance. Last evaluated: 2023-05-30. Review status: criteria provided, single submitter. Criteria: LabCorp Variant Classification Summary - May 2015. Collection method: clinical testing. Allele origin: germline.
Comment: Variant summary: BRCA1 c.2050C>T (p.Pro684Ser) results in a non-conservative amino acid change located in the BRCT domain (IPR001357) of the encoded protein sequence. Four of five in-silico tools predict a benign effect of the variant on protein function. A report from the CAGI5 (fifth Critical Assessment of Genome Interpretation) challenge has classified this variant as likely benign (class 2) in a prediction protocol that includes assessment of the impact of this variant on splicing and protein function using four sets of predictors (Padilla_2019). The variant allele was found at a frequency of 4e-06 in 251396 control chromosomes (gnomAD). The available data on variant occurrences in the general population are insufficient to allow any conclusion about variant significance. c.2050C>T has been reported in the literature as a VUS in individuals affected with Pancreatic, Breast and/or Ovarian Cancer and within settings of multigene panel testing for hereditary cancers (e.g. Lu_2012, Grant_2015). A large scale multifactorial probability based analysis classified this variant as IARC class 2 (likely benign, Parsons_2019). These reports do not provide unequivocal conclusions about association of the variant with Hereditary Breast And Ovarian Cancer Syndrome. To our knowledge, no experimental evidence demonstrating an impact on protein function has been reported. The following publications have been ascertained in the context of this evaluation (PMID: 22476429, 24728327, 25479140, 12872263, 27376475, 31131967, 31112341, 33087888, 34981296). Nine submitters have provided clinical-significance assessments for this variant to ClinVar after 2014, and classified it as uncertain significance (n=7) or likely benign (n=2). Based on the evidence outlined above, the variant was classified as VUS-possibly benign.

University of Washington Department of Laboratory Medicine, University of Washington
Classification: Likely benign for Hereditary cancer-predisposing syndrome. Last evaluated: 2023-03-23. Review status: criteria provided, single submitter. Criteria: Dines et al. (Genet Med. 2020). Collection method: curation. Allele origin: germline.
Comment: Missense variant in a coldspot region where missense variants are very unlikely to be pathogenic (PMID:31911673).

BRCA1 coldspot (exon 11 using historical exon numbering). Reclassification based on statistical prior probability

GeneDx
Classification: Uncertain significance. Last evaluated: 2023-02-13. Review status: criteria provided, single submitter. Criteria: GeneDx Variant Classification Process June 2021. Collection method: clinical testing. Allele origin: germline. Affected: yes.
Comment: Not observed at significant frequency in large population cohorts (gnomAD); In silico analysis, which includes protein predictors and evolutionary conservation, supports a deleterious effect; Also known as 2169C>T; This variant is associated with the following publications: (PMID: 12872263, 27376475, 28726806, 31131967, 33087888, 34981296, 15343273)

CHEO Genetics Diagnostic Laboratory, Children's Hospital of Eastern Ontario
Classification: Uncertain significance for Breast and/or ovarian cancer. Last evaluated: 2023-01-05. Review status: criteria provided, single submitter. Criteria: ACMG Guidelines, 2015. Collection method: clinical testing. Allele origin: germline. Study: Canadian Open Genetics Repository.

Department of Pathology and Laboratory Medicine, Sinai Health System
Classification: Uncertain significance for Hereditary breast ovarian cancer syndrome. Last evaluated: 2021-07-20. Review status: criteria provided, single submitter. Criteria: ACMG Guidelines, 2015. Collection method: clinical testing. Allele origin: germline. Affected: yes.

Fulgent Genetics
Classification: Uncertain significance for Familial cancer of breast; Breast-ovarian cancer, familial, susceptibility to, 1; Pancreatic cancer, susceptibility to, 4; Fanconi anemia, complementation group S. Last evaluated: 2018-10-31. Review status: criteria provided, single submitter. Criteria: ACMG Guidelines, 2015. Collection method: clinical testing. Allele origin: unknown.

Genetic Services Laboratory, University of Chicago
Classification: Uncertain significance. Last evaluated: 2018-03-27. Review status: criteria provided, single submitter. Criteria: ACMG Guidelines, 2015. Collection method: clinical testing. Allele origin: germline. Affected: no.

Department of Pathology and Molecular Medicine, Queen's University
Classification: Uncertain significance. Last evaluated: 2017-04-20. Review status: criteria provided, single submitter. Criteria: ACMG Guidelines, 2015. Collection method: clinical testing. Allele origin: germline. Study: The Canadian Open Genetics Repository (COGR).

Literature cited by the submitters: PubMed 12872263 (cited by 5 submitters); PubMed 22476429 (cited by 5 submitters); PubMed 25479140 (cited by 5 submitters); PubMed 27376475 (cited by 5 submitters); PubMed 31131967 (cited by 3 submitters); PubMed 33471991 (cited by All of Us Research Program, National Institutes of Health and Quest Diagnostics Nichols Institute San Juan Capistrano); PubMed 34981296 (cited by 3 submitters); PubMed 33087888 (cited by Quest Diagnostics Nichols Institute San Juan Capistrano and Women's Health and Genetics/Laboratory Corporation of America, LabCorp); PubMed 31112341 (cited by Quest Diagnostics Nichols Institute San Juan Capistrano and Women's Health and Genetics/Laboratory Corporation of America, LabCorp); PubMed 24728327 (cited by Quest Diagnostics Nichols Institute San Juan Capistrano and Women's Health and Genetics/Laboratory Corporation of America, LabCorp).

NM_007294.4(BRCA1):c.2050C>T (p.Pro684Ser)

Gene: BRCA1 (BRCA1 DNA repair associated; minus strand). Cytogenetic location: 17q21.31.
Variant type: single nucleotide variant.
Coding change: c.2050C>T on transcript NM_007294.4 (MANE Select); coding-DNA position 2050, C replaced by T.
Protein change: p.Pro684Ser; replaces proline 684 with serine.
Molecular consequence: missense variant. On other transcripts: intron variant (137).
Genome position (GRCh38, 1-based): chr17:43,093,481, G>A on the plus strand (C>T on the coding strand, the complement: BRCA1 is on the minus strand). VCF-style: chr17-43093481-G-A. GRCh37 (hg19) VCF-style: chr17-41245498-G-A.
Other names: c.545-2449C>T (NM_001408495.1); c.661+1263C>T (NM_001408448.1, NM_001408445.1, NM_001408432.1 and 6 more transcripts); c.667+2365C>T (NM_001408421.1, NM_001408431.1, NM_001408424.1); c.784+1263C>T (NM_001407991.1, NM_001408407.1, NM_001408402.1 and 13 more transcripts); c.664+1263C>T (NM_001408427.1, NM_001408443.1, NM_001408439.1 and 12 more transcripts); c.523+1263C>T (NM_001408496.1, NM_001408499.1, NM_001408498.1 and 3 more transcripts); c.646+1263C>T (NM_001408460.1, NM_001408454.1, NM_001408456.1 and 11 more transcripts); c.706+1263C>T (NM_001408413.1, NM_001408416.1); and 40 more; short protein forms P684S, P637S, P516S, P572S, P573S, P616S, P643S, P681S.
Identifiers: ClinVar variation 54447 (VCV000054447.41), dbSNP rs397508934, ClinGen allele CA001361.